The following is an entry in ClinVar:

ClinVar aggregate classification (germline): Likely benign. Review status: criteria provided, multiple submitters, no conflicts (2 of 4 stars). 2 submissions from 2 submitters: Likely benign (2). Last evaluated 2020-02-29.

Conditions:
Neuropathy, hereditary sensory and autonomic, type 2A (HSAN2A). Also called: WNK1-Related HSAN2 (HSAN2A); MORVAN DISEASE; NEUROPATHY, CONGENITAL SENSORY; NEUROPATHY, HEREDITARY SENSORY RADICULAR, AUTOSOMAL RECESSIVE; NEUROPATHY, HEREDITARY SENSORY, TYPE IIA; NEUROPATHY, PROGRESSIVE SENSORY, OF CHILDREN. Identifiers: Orphanet 970, MedGen C2752089, MONDO:0024309, OMIM 201300.
Pseudohypoaldosteronism type 2C (PHA2C). Also called: Pseudohypoaldosteronism Type IIC. Identifiers: Orphanet 757, Orphanet 88940, MedGen C1840391, MONDO:0013778, OMIM 614492.

Allele frequency attached by ClinVar (database versions not stated): gnomAD 0.00001; gnomAD exomes 0.00001 and 0.00002; TOPMed 0.00001; ExAC 0.00002.
gnomAD v4.1: 16 of 1,613,956 alleles (0.00099%); highest among the groups gnomAD compares: Non-Finnish European, 0.000085%; no homozygotes.

Submissions (2):

Labcorp Genetics (formerly Invitae), Labcorp
Classification: Likely benign for Neuropathy, hereditary sensory and autonomic, type 2A; Pseudohypoaldosteronism type 2C. Last evaluated: 2020-02-29. Review status: criteria provided, single submitter. Criteria: Invitae Variant Classification Sherloc (09022015). Collection method: clinical testing. Allele origin: germline.

Illumina Laboratory Services, Illumina
Classification: Likely benign for Pseudohypoaldosteronism type 2C. Last evaluated: 2018-01-13. Review status: criteria provided, single submitter. Criteria: ICSL Variant Classification Criteria 13 December 2019. Collection method: clinical testing. Allele origin: germline.
Comment: This variant was observed in the ICSL laboratory as part of a predisposition screen in an ostensibly healthy population. It had not been previously curated by ICSL or reported in the Human Gene Mutation Database (HGMD: prior to June 1st, 2018), and was therefore a candidate for classification through an automated scoring system. Utilizing variant allele frequency, disease prevalence and penetrance estimates, and inheritance mode, an automated score was calculated to assess if this variant is too frequent to cause the disease. Based on the score and internal cut-off values, a variant classified as likely benign is not then subjected to further curation. The score for this variant resulted in a classification of likely benign for this disease.

NM_018979.4(WNK1):c.2926C>T (p.Leu976=)

Gene: WNK1 (WNK lysine deficient protein kinase 1; plus strand). Cytogenetic location: 12p13.33.
Variant type: single nucleotide variant.
Coding change: c.2926C>T on transcript NM_018979.4 (MANE Select); coding-DNA position 2926, C replaced by T.
Protein change: p.Leu976=; no amino-acid change (leucine 976 retained).
Molecular consequence: synonymous variant. On other transcripts: intron variant (2).
Genome position (GRCh38, 1-based): chr12:880,814, C>T. VCF-style: chr12-880814-C-T. GRCh37 (hg19) VCF-style: chr12-989980-C-T.
Other names: c.3706C>T, p.Leu1236= (NM_001184985.2); c.3868-878C>T (NM_213655.5); c.2371-878C>T (NM_014823.3).
Identifiers: ClinVar variation 732486 (VCV000732486.11), dbSNP rs761135188, ClinGen allele CA6382610.